The following is an entry in ClinVar:

ClinVar aggregate classification (germline): Uncertain significance. Review status: criteria provided, multiple submitters, no conflicts (2 of 4 stars). 3 submissions from 3 submitters: Uncertain significance (2). 1 of the submissions does not count toward it. Last evaluated 2022-02-11.

Conditions:
Duchenne muscular dystrophy (DMD). Also called: Duchenne Muscular Dystrophy (DMD); MUSCULAR DYSTROPHY, PSEUDOHYPERTROPHIC PROGRESSIVE, DUCHENNE TYPE. Identifiers: Orphanet 98896, MedGen C0013264, MONDO:0010679, OMIM 310200.
Dystrophin deficiency.
Becker muscular dystrophy (BMD). Also called: MUSCULAR DYSTROPHY, PSEUDOHYPERTROPHIC PROGRESSIVE, BECKER TYPE; Becker Muscular Dystrophy (BMD). Identifiers: Orphanet 98895, MedGen C0917713, MONDO:0010311, OMIM 300376.
Cardiomyopathy (CMYO). Also called: Cardiomyopathies. Identifiers: Orphanet 167848, MedGen C0878544, MONDO:0004994, HP:0001638. Inheritance: Various modes of inheritance.

Submissions (3):

AiLife Diagnostics
Classification: Uncertain significance. Last evaluated: 2022-02-11. Review status: criteria provided, single submitter. Criteria: ACMG Guidelines, 2015. Collection method: clinical testing. Allele origin: germline. Affected: yes. Observed: 1 variant allele.

Labcorp Genetics (formerly Invitae), Labcorp
Classification: Uncertain significance for Duchenne muscular dystrophy. Last evaluated: 2020-11-11. Review status: criteria provided, single submitter. Criteria: Invitae Variant Classification Sherloc (09022015). Collection method: clinical testing. Allele origin: germline.
Comment: This variant has not been reported in the literature in individuals with DMD-related conditions. Algorithms developed to predict the effect of missense changes on protein structure and function (SIFT, PolyPhen-2, Align-GVGD) all suggest that this variant is likely to be disruptive, but these predictions have not been confirmed by published functional studies and their clinical significance is uncertain. In summary, the available evidence is currently insufficient to determine the role of this variant in disease. Therefore, it has been classified as a Variant of Uncertain Significance. This variant is not present in population databases (ExAC no frequency). This sequence change replaces leucine with proline at codon 1760 of the DMD protein (p.Leu1760Pro). The leucine residue is highly conserved and there is a moderate physicochemical difference between leucine and proline.

Natera, Inc.
Classification: Uncertain significance for Becker muscular dystrophy; Cardiomyopathy; Duchenne muscular dystrophy; Dystrophin deficiency. Last evaluated: 2020-05-19. Review status: no assertion criteria provided. Collection method: clinical testing. Allele origin: germline. Not counted in ClinVar's aggregate classification.

NM_004006.3(DMD):c.5279T>C (p.Leu1760Pro)

Gene: DMD (dystrophin; minus strand). Cytogenetic location: Xp21.1.
Variant type: single nucleotide variant.
Coding change: c.5279T>C on transcript NM_004006.3 (MANE Select); coding-DNA position 5279, T replaced by C.
Protein change: p.Leu1760Pro; replaces leucine 1760 with proline.
Molecular consequence: missense variant.
Genome position (GRCh38, 1-based): chrX:32,362,834, A>G on the plus strand (T>C on the coding strand, the complement: DMD is on the minus strand). VCF-style: chrX-32362834-A-G. GRCh37 (hg19) VCF-style: chrX-32380951-A-G.
Other names: c.5255T>C, p.Leu1752Pro (NM_000109.4); c.5267T>C, p.Leu1756Pro (NM_004009.3); c.4910T>C, p.Leu1637Pro (NM_004010.3); c.1256T>C, p.Leu419Pro (NM_004011.4); c.1247T>C, p.Leu416Pro (NM_004012.4); short protein forms L416P, L1756P, L419P, L1752P, L1637P, L1760P.
Identifiers: ClinVar variation 844979 (VCV000844979.12), dbSNP rs2097841814, ClinGen allele CA412671057.